The following is an entry in ClinVar:

NM_014314.4(RIGI):c.2653C>T (p.Pro885Ser)

Gene: RIGI (RNA sensor RIG-I; minus strand). Cytogenetic location: 9p21.1.
Variant type: single nucleotide variant.
Coding change: c.2653C>T on transcript NM_014314.4 (MANE Select); coding-DNA position 2653, C replaced by T.
Protein change: p.Pro885Ser; replaces proline 885 with serine.
Molecular consequence: missense variant.
Genome position (GRCh38, 1-based): chr9:32,457,247, G>A on the plus strand (C>T on the coding strand, the complement: RIGI is on the minus strand). VCF-style: chr9-32457247-G-A. GRCh37 (hg19) VCF-style: chr9-32457245-G-A.
Other names: p.Pro885Ser; c.2647C>T, p.Pro883Ser (NM_001385907.1); c.2482C>T, p.Pro828Ser (NM_001385909.1); c.2212C>T, p.Pro738Ser (NM_001385910.1); c.2044C>T, p.Pro682Ser (NM_001385912.1); c.2638C>T, p.Pro880Ser (NM_001385913.1); c.2209C>T, p.Pro737Ser (NM_001385914.1); short protein forms P682S, P737S, P738S, P828S, P880S, P883S, P885S.
Identifiers: ClinVar variation 1017102 (VCV001017102.31), dbSNP rs138425677, ClinGen allele CA5019441.

ClinVar aggregate classification (germline): Likely benign. Review status: criteria provided, multiple submitters, no conflicts (2 of 4 stars). 4 submissions from 4 submitters: Likely benign (4). Last evaluated 2026-01-17.

Allele frequency attached by ClinVar (database versions not stated): 1000 Genomes Project 0.00020; 1000 Genomes Project 30x 0.00031; ExAC 0.00037; gnomAD exomes 0.00042; gnomAD 0.00045 and 0.00050; TOPMed 0.00045; ESP Exome Variant Server 0.00085.
gnomAD v4.1: 1,443 of 1,614,070 alleles (0.089%); highest among the groups gnomAD compares: Non-Finnish European, 0.11%; 2 homozygotes.

Submissions (4):

Labcorp Genetics (formerly Invitae), Labcorp
Classification: Likely benign. Last evaluated: 2026-01-17. Review status: criteria provided, single submitter. Criteria: Invitae Variant Classification Sherloc (09022015). Collection method: clinical testing. Allele origin: germline.

Mayo Clinic Laboratories, Mayo Clinic
Classification: Likely benign. Last evaluated: 2025-04-24. Review status: criteria provided, single submitter. Criteria: ACMG Guidelines, 2015. Collection method: clinical testing. Allele origin: germline. Observed: 1 variant allele.
Comment: BS1, BS2_supporting

Blueprint Genetics
Classification: Likely benign. Last evaluated: 2024-10-16. Review status: criteria provided, single submitter. Criteria: ACMG Guidelines, 2015. Collection method: clinical testing. Allele origin: germline.

CeGaT Center for Human Genetics Tuebingen
Classification: Likely benign. Last evaluated: 2023-09-01. Review status: criteria provided, single submitter. Criteria: CeGaT Center For Human Genetics Tuebingen Variant Classification Criteria Version 2. Collection method: clinical testing. Allele origin: germline. Affected: yes. Observed: 2 variant alleles.
Comment: RIGI: BP4

Literature cited by the submitters: PubMed 29453856 (cited by Mayo Clinic Laboratories, Mayo Clinic).